The following is an entry in ClinVar:

NM_170601.5(SIAE):c.1266_1284del (p.Asn422fs)

Gene: SIAE (sialic acid acetylesterase; minus strand). Cytogenetic location: 11q24.2.
Variant type: Deletion.
Coding change: c.1266_1284del on transcript NM_170601.5 (MANE Select); coding-DNA positions 1266 to 1284, 19 bases deleted (TCTCACATATTACCAGCAA).
Protein change: p.Asn422fs; shifts the reading frame from asparagine 422.
Molecular consequence: frameshift variant.
Genome position (GRCh38, 1-based): chr11:124,638,578-124,638,596, TTGCTGGTAATATGTGAGA deleted on the plus strand (TCTCACATATTACCAGCAA on the coding strand, the reverse complement: SIAE is on the minus strand); deleting any 19 consecutive bases within chr11:124,638,578-124,638,599 gives the same sequence; the c. name uses the placement nearest the transcript's 3' end. VCF-style (leftmost placement, unchanged base first): chr11-124638577-TTTGCTGGTAATATGTGAGA-T. GRCh37 (hg19) VCF-style: chr11-124508473-TTTGCTGGTAATATGTGAGA-T.
Other names: c.1161_1179del, p.Asn387fs (NM_001199922.2); short protein forms N387fs, N422fs.
Identifiers: ClinVar variation 3700985 (VCV003700985.2).

ClinVar aggregate classification (germline): Uncertain significance (1 of 4 stars; one submission).

Submission:

Labcorp Genetics (formerly Invitae), Labcorp
Classification: Uncertain significance. Last evaluated: 2024-07-10. Review status: criteria provided, single submitter. Criteria: Invitae Variant Classification Sherloc (09022015). Collection method: clinical testing. Allele origin: germline.
Comment: This sequence change creates a premature translational stop signal (p.Asn422Lysfs*29) in the SIAE gene. While this is not anticipated to result in nonsense mediated decay, it is expected to disrupt the last 102 amino acid(s) of the SIAE protein. This variant is not present in population databases (gnomAD no frequency). This variant has not been reported in the literature in individuals affected with SIAE-related conditions. Experimental studies and prediction algorithms are not available or were not evaluated, and the functional significance of this variant is currently unknown. In summary, the available evidence is currently insufficient to determine the role of this variant in disease. Therefore, it has been classified as a Variant of Uncertain Significance.